The following is an entry in ClinVar:

ClinVar aggregate classification (germline): Uncertain significance (1 of 4 stars; one submission).

Submission:

Labcorp Genetics (formerly Invitae), Labcorp
Classification: Uncertain significance. Last evaluated: 2023-06-14. Review status: criteria provided, single submitter. Criteria: Invitae Variant Classification Sherloc (09022015). Collection method: clinical testing. Allele origin: germline.
Comment: This sequence change replaces valine, which is neutral and non-polar, with alanine, which is neutral and non-polar, at codon 459 of the RAI1 protein (p.Val459Ala). This variant is not present in population databases (gnomAD no frequency). This variant has not been reported in the literature in individuals affected with RAI1-related conditions. ClinVar contains an entry for this variant (Variation ID: 1506604). Advanced modeling of protein sequence and biophysical properties (such as structural, functional, and spatial information, amino acid conservation, physicochemical variation, residue mobility, and thermodynamic stability) performed at Invitae indicates that this missense variant is not expected to disrupt RAI1 protein function. In summary, the available evidence is currently insufficient to determine the role of this variant in disease. Therefore, it has been classified as a Variant of Uncertain Significance.

NM_030665.4(RAI1):c.1376T>C (p.Val459Ala)

Gene: RAI1 (retinoic acid induced 1; plus strand). Cytogenetic location: 17p11.2.
Variant type: single nucleotide variant.
Coding change: c.1376T>C on transcript NM_030665.4 (MANE Select); coding-DNA position 1376, T replaced by C.
Protein change: p.Val459Ala; replaces valine 459 with alanine.
Molecular consequence: missense variant.
Genome position (GRCh38, 1-based): chr17:17,794,324, T>C. VCF-style: chr17-17794324-T-C. GRCh37 (hg19) VCF-style: chr17-17697638-T-C.
Other names: short protein forms V459A.
Identifiers: ClinVar variation 1506604 (VCV001506604.6), dbSNP rs2143001911, ClinGen allele CA398547689.